The following is an entry in ClinVar:

NM_000179.3(MSH6):c.1194G>T (p.Val398=)

Gene: MSH6 (mutS homolog 6; plus strand). Cytogenetic location: 2p16.3.
Variant type: single nucleotide variant.
Coding change: c.1194G>T on transcript NM_000179.3 (MANE Select); coding-DNA position 1194, G replaced by T.
Protein change: p.Val398=; no amino-acid change (valine 398 retained).
Molecular consequence: synonymous variant. On other transcripts: non-coding transcript variant (4), intron variant (1).
Genome position (GRCh38, 1-based): chr2:47,799,177, G>T. VCF-style: chr2-47799177-G-T. GRCh37 (hg19) VCF-style: chr2-48026316-G-T.
Other names: c.804G>T, p.Val268= (NM_001281492.2); c.288G>T, p.Val96= (NM_001281493.2, NM_001281494.2, NM_001406811.1 and 6 more transcripts); c.1290G>T, p.Val430= (NM_001406795.1, NM_001406802.1); c.1194G>T, p.Val398= (NM_001406796.1, NM_001406798.1, NM_001406800.1 and 4 more transcripts); c.897G>T, p.Val299= (NM_001406797.1, NM_001406801.1, NM_001406805.1 and 10 more transcripts); c.669G>T, p.Val223= (NM_001406799.1, NM_001406806.1, NM_001406807.1); c.1116G>T, p.Val372= (NM_001406804.1); c.1200G>T, p.Val400= (NM_001406813.1); and 2 more.
Identifiers: ClinVar variation 3904347 (VCV003904347.1).

ClinVar aggregate classification (germline): Benign (1 of 4 stars; one submission).

Conditions:
Lynch syndrome 5 (LYNCH5). Also called: Colorectal cancer, hereditary nonpolyposis, type 5; Hereditary non-polyposis colorectal cancer, type 5. Identifiers: Orphanet 144, MedGen C1833477, MONDO:0013710, OMIM 614350. Disease mechanism: loss of function.

Submission:

Myriad Genetics, Inc.
Classification: Benign for Lynch syndrome 5. Last evaluated: 2024-12-23. Review status: criteria provided, single submitter. Criteria: Myriad Autosomal Dominant, Autosomal Recessive and X-Linked Classification Criteria (2023). Collection method: clinical testing. Allele origin: unknown.
Comment: This variant is considered benign. This variant is a silent/synonymous amino acid change and it is not expected to impact splicing.